The following is an entry in ClinVar:

ClinVar aggregate classification (germline): Conflicting classifications of pathogenicity. Review status: criteria provided, conflicting classifications (1 of 4 stars). 2 submissions from 2 submitters: Uncertain significance (1); Likely benign (1). Last evaluated 2025-09-24.

Conditions:
ZTTK syndrome (ZTTKS). Also called: ZTTK MULTIPLE CONGENITAL ANOMALIES-MENTAL RETARDATION SYNDROME; Zhu-Tokita-Takenouchi-Kim Syndrome. Identifiers: Orphanet 500150, MedGen C4310696, MONDO:0014936, OMIM 617140.

Allele frequency attached by ClinVar (database versions not stated): gnomAD exomes below 0.00001.

Submissions (2):

Labcorp Genetics (formerly Invitae), Labcorp
Classification: Uncertain significance. Last evaluated: 2025-09-24. Review status: criteria provided, single submitter. Criteria: Invitae Variant Classification Sherloc (09022015). Collection method: clinical testing. Allele origin: germline.
Comment: This sequence change replaces arginine, which is basic and polar, with glycine, which is neutral and non-polar, at codon 1870 of the SON protein (p.Arg1870Gly). This variant is not present in population databases (gnomAD no frequency). This variant has not been reported in the literature in individuals affected with SON-related conditions. ClinVar contains an entry for this variant (Variation ID: 3064532). Experimental studies and prediction algorithms are not available or were not evaluated, and the functional significance of this variant is currently unknown. In summary, the available evidence is currently insufficient to determine the role of this variant in disease. Therefore, it has been classified as a Variant of Uncertain Significance.

Genomic Medicine Center of Excellence, King Faisal Specialist Hospital and Research Centre
Classification: Likely benign for ZTTK syndrome. Last evaluated: 2024-03-25. Review status: criteria provided, single submitter. Criteria: ACMG Guidelines, 2015. Collection method: research. Allele origin: germline.

NM_138927.4(SON):c.5608A>G (p.Arg1870Gly)

Gene: SON (SON DNA and RNA binding protein; plus strand). Cytogenetic location: 21q22.11.
Variant type: single nucleotide variant.
Coding change: c.5608A>G on transcript NM_138927.4 (MANE Select); coding-DNA position 5608, A replaced by G.
Protein change: p.Arg1870Gly; replaces arginine 1870 with glycine.
Molecular consequence: missense variant. On other transcripts: non-coding transcript variant (1), intron variant (1).
Genome position (GRCh38, 1-based): chr21:33,554,839, A>G. VCF-style: chr21-33554839-A-G. GRCh37 (hg19) VCF-style: chr21-34927145-A-G.
Other names: c.5608A>G, p.Arg1870Gly (NM_001291411.2, NM_001412133.1, NM_032195.3 and 2 more transcripts); c.245-2317A>G (NM_001291412.3); short protein forms R1870G.
Identifiers: ClinVar variation 3064532 (VCV003064532.3), dbSNP rs2517392381, ClinGen allele CA410165155.